The following is an entry in ClinVar:

ClinVar aggregate classification (germline): Uncertain significance. Review status: criteria provided, multiple submitters, no conflicts (2 of 4 stars). 3 submissions from 3 submitters: Uncertain significance (3). Last evaluated 2024-12-23.

Conditions:
Cardiomyopathy (CMYO). Also called: Cardiomyopathies. Identifiers: Orphanet 167848, MedGen C0878544, MONDO:0004994, HP:0001638. Inheritance: Various modes of inheritance.
Cardiovascular phenotype. Identifiers: MedGen CN230736.
Arrhythmogenic right ventricular dysplasia 8 (ARVD8). Also called: Arrhythmogenic Right Ventricular Dysplasia/Cardiomyopathy 8; ARRHYTHMOGENIC RIGHT VENTRICULAR DYSPLASIA, FAMILIAL, 8; ARRHYTHMOGENIC RIGHT VENTRICULAR CARDIOMYOPATHY 8. Identifiers: MedGen C1843896, MONDO:0011831, OMIM 607450.
Arrhythmogenic cardiomyopathy with wooly hair and keratoderma. Also called: PALMOPLANTAR KERATODERMA WITH LEFT VENTRICULAR CARDIOMYOPATHY AND WOOLLY HAIR; Carvajal syndrome; Dilated cardiomyopathy with woolly hair and keratoderma; Arrhythmogenic cardiomyopathy with woolly hair and keratoderma. Identifiers: Orphanet 65282, MedGen C1854063, MONDO:0011581, OMIM 605676.

Allele frequency attached by ClinVar (database versions not stated): gnomAD exomes 0.00001.
gnomAD v4.1: 10 of 1,614,126 alleles (0.00062%); highest among the groups gnomAD compares: Non-Finnish European, 0.00076%; no homozygotes.

Submissions (3):

Labcorp Genetics (formerly Invitae), Labcorp
Classification: Uncertain significance for Arrhythmogenic cardiomyopathy with wooly hair and keratoderma; Arrhythmogenic right ventricular dysplasia 8. Last evaluated: 2024-12-23. Review status: criteria provided, single submitter. Criteria: Invitae Variant Classification Sherloc (09022015). Collection method: clinical testing. Allele origin: germline.
Comment: This sequence change replaces lysine, which is basic and polar, with arginine, which is basic and polar, at codon 1323 of the DSP protein (p.Lys1323Arg). This variant is present in population databases (no rsID available, gnomAD 0.002%). This variant has not been reported in the literature in individuals affected with DSP-related conditions. ClinVar contains an entry for this variant (Variation ID: 922808). An algorithm developed to predict the effect of missense changes on protein structure and function (PolyPhen-2) suggests that this variant is likely to be tolerated. In summary, the available evidence is currently insufficient to determine the role of this variant in disease. Therefore, it has been classified as a Variant of Uncertain Significance.

Ambry Genetics
Classification: Uncertain significance for Cardiovascular phenotype. Last evaluated: 2022-09-13. Review status: criteria provided, single submitter. Criteria: Ambry Variant Classification Scheme 2023. Collection method: clinical testing. Allele origin: germline.
Comment: The p.K1323R variant (also known as c.3968A>G), located in coding exon 23 of the DSP gene, results from an A to G substitution at nucleotide position 3968. The lysine at codon 1323 is replaced by arginine, an amino acid with highly similar properties. This amino acid position is conserved. In addition, this alteration is predicted to be tolerated by in silico analysis. Since supporting evidence is limited at this time, the clinical significance of this alteration remains unclear.

Color Diagnostics, LLC DBA Color Health
Classification: Uncertain significance for Cardiomyopathy. Last evaluated: 2019-01-24. Review status: criteria provided, single submitter. Criteria: ACMG Guidelines, 2015. Collection method: clinical testing. Allele origin: germline.
Comment: Variant of Uncertain Significance due to insufficient evidence: This missense variant is located in the central rod domain of the DSP protein. Computational prediction tools and conservation analyses are inconclusive regarding the impact of this variant on the protein function. Computational splicing tools suggest that this variant may not impact RNA splicing. To our knowledge, functional assays have not been performed for this variant nor has this variant been reported in individuals affected with cardiovascular disorders in the literature. This variant has been identified in 2/245658 chromosomes in the general population by the Genome Aggregation Database (gnomAD). Available evidence is insufficient to determine the role of this variant in disease conclusively.

NM_004415.4(DSP):c.3968A>G (p.Lys1323Arg)

Gene: DSP (desmoplakin; plus strand). Cytogenetic location: 6p24.3.
Variant type: single nucleotide variant.
Coding change: c.3968A>G on transcript NM_004415.4 (MANE Select); coding-DNA position 3968, A replaced by G.
Protein change: p.Lys1323Arg; replaces lysine 1323 with arginine.
Molecular consequence: missense variant. On other transcripts: intron variant (1).
Genome position (GRCh38, 1-based): chr6:7,580,158, A>G. VCF-style: chr6-7580158-A-G. GRCh37 (hg19) VCF-style: chr6-7580391-A-G.
Other names: c.3968A>G, p.Lys1323Arg (NM_001319034.2); c.3582+386A>G (NM_001008844.3); short protein forms K1323R.
Identifiers: ClinVar variation 922808 (VCV000922808.7), dbSNP rs971198843, ClinGen allele CA133969073.